The following is an entry in ClinVar:

NM_000202.8(IDS):c.1583A>T (p.Asp528Val)

Gene: IDS (iduronate 2-sulfatase; minus strand). Cytogenetic location: Xq28.
Variant type: single nucleotide variant.
Coding change: c.1583A>T on transcript NM_000202.8 (MANE Select); coding-DNA position 1583, A replaced by T.
Protein change: p.Asp528Val; replaces aspartic acid 528 with valine.
Molecular consequence: missense variant.
Genome position (GRCh38, 1-based): chrX:149,482,816, T>A on the plus strand (A>T on the coding strand, the complement: IDS is on the minus strand). VCF-style: chrX-149482816-T-A. GRCh37 (hg19) VCF-style: chrX-148564347-T-A.
Other names: c.1313A>T, p.Asp438Val (NM_001166550.4); short protein forms D438V, D528V.
Identifiers: ClinVar variation 3636337 (VCV003636337.2).
Genomic context (GRCh38, chrX:149,482,816, plus strand): 5'-AACAACTGGAAAAGATCTCCACCTTGGGAATCATTATACATATTGTGATCCTGCAATGGG[T>A]CAGAATCCACAAAATACAGTTCCCCTGCATGGATGTCAGAAAAGTTAGCTAGAAATTCAT-3'
Protein context (NP_000193.1, residues 518-538): HAGELYFVDS[Asp528Val]PLQDHNMYND

ClinVar aggregate classification (germline): Uncertain significance (1 of 4 stars; one submission).

Conditions:
Mucopolysaccharidosis, MPS-II (MPS2). Also called: Attenuated MPS (subtype; formerly known as mild MPS II); Severe MPS II; I2S deficiency; MPS 2; Hunter Syndrome; IDURONATE 2-SULFATASE DEFICIENCY. Identifiers: Orphanet 580, Orphanet 79388, MedGen C0026705, MONDO:0010674, OMIM 309900.

Submission:

Labcorp Genetics (formerly Invitae), Labcorp
Classification: Uncertain significance for Mucopolysaccharidosis, MPS-II. Last evaluated: 2025-03-27. Review status: criteria provided, single submitter. Criteria: Invitae Variant Classification Sherloc (09022015). Collection method: clinical testing. Allele origin: germline.
Comment: This sequence change replaces aspartic acid, which is acidic and polar, with valine, which is neutral and non-polar, at codon 528 of the IDS protein (p.Asp528Val). This variant is not present in population databases (gnomAD no frequency). This variant has not been reported in the literature in individuals affected with IDS-related conditions. Invitae Evidence Modeling of protein sequence and biophysical properties (such as structural, functional, and spatial information, amino acid conservation, physicochemical variation, residue mobility, and thermodynamic stability) indicates that this missense variant is not expected to disrupt IDS protein function with a negative predictive value of 80%. In summary, the available evidence is currently insufficient to determine the role of this variant in disease. Therefore, it has been classified as a Variant of Uncertain Significance.